The following is an entry in ClinVar:

NM_005633.4(SOS1):c.3520A>G (p.Lys1174Glu)

Gene: SOS1 (SOS Ras/Rac guanine nucleotide exchange factor 1; minus strand). Cytogenetic location: 2p22.1.
Variant type: single nucleotide variant.
Coding change: c.3520A>G on transcript NM_005633.4 (MANE Select); coding-DNA position 3520, A replaced by G.
Protein change: p.Lys1174Glu; replaces lysine 1174 with glutamic acid.
Molecular consequence: missense variant.
Genome position (GRCh38, 1-based): chr2:38,986,306, T>C on the plus strand (A>G on the coding strand, the complement: SOS1 is on the minus strand). VCF-style: chr2-38986306-T-C. GRCh37 (hg19) VCF-style: chr2-39213447-T-C.
Other names: c.3499A>G, p.Lys1167Glu (NM_001382394.1); c.3475A>G, p.Lys1159Glu (NM_001382395.1); short protein forms K1159E, K1167E, K1174E.
Identifiers: ClinVar variation 2718311 (VCV002718311.3), dbSNP rs774526240, ClinGen allele CA346362973.

ClinVar aggregate classification (germline): Uncertain significance (1 of 4 stars; one submission).

Conditions:
RASopathy. Also called: rasopathies; Noonan spectrum disorder. Identifiers: Orphanet 536391, MedGen C5555857, MONDO:0021060.

Submission:

Labcorp Genetics (formerly Invitae), Labcorp
Classification: Uncertain significance for RASopathy. Last evaluated: 2023-06-17. Review status: criteria provided, single submitter. Criteria: Invitae Variant Classification Sherloc (09022015). Collection method: clinical testing. Allele origin: germline.
Comment: This sequence change replaces lysine, which is basic and polar, with glutamic acid, which is acidic and polar, at codon 1174 of the SOS1 protein (p.Lys1174Glu). In summary, the available evidence is currently insufficient to determine the role of this variant in disease. Therefore, it has been classified as a Variant of Uncertain Significance. Advanced modeling of protein sequence and biophysical properties (such as structural, functional, and spatial information, amino acid conservation, physicochemical variation, residue mobility, and thermodynamic stability) has been performed at Invitae for this missense variant, however the output from this modeling did not meet the statistical confidence thresholds required to predict the impact of this variant on SOS1 protein function. This variant has not been reported in the literature in individuals affected with SOS1-related conditions. This variant is not present in population databases (gnomAD no frequency).